The following is an entry in ClinVar:

NM_020184.4(CNNM4):c.1971C>A (p.Thr657=)

Gene: CNNM4 (cyclin and CBS domain divalent metal cation transport mediator 4; plus strand). Cytogenetic location: 2q11.2.
Variant type: single nucleotide variant.
Coding change: c.1971C>A on transcript NM_020184.4 (MANE Select); coding-DNA position 1971, C replaced by A.
Protein change: p.Thr657=; no amino-acid change (threonine 657 retained).
Molecular consequence: synonymous variant.
Genome position (GRCh38, 1-based): chr2:96,808,583, C>A. VCF-style: chr2-96808583-C-A. GRCh37 (hg19) VCF-style: chr2-97474320-C-A.
Other names: c.1971C>A (NM_020184.3).
Identifiers: ClinVar variation 1557810 (VCV001557810.10), dbSNP rs140731639, ClinGen allele CA1783537.

ClinVar aggregate classification (germline): Likely benign. Review status: criteria provided, multiple submitters, no conflicts (2 of 4 stars). 3 submissions from 3 submitters: Likely benign (3). Last evaluated 2025-10-23.

Conditions:
CNNM4-related disorder. Also called: CNNM4-related condition.

Allele frequency attached by ClinVar (database versions not stated): gnomAD exomes 0.00002; ExAC 0.00003; gnomAD 0.00005; TOPMed 0.00011; ESP Exome Variant Server 0.00015.
gnomAD v4.1: 15 of 1,613,938 alleles (0.00093%); highest among the groups gnomAD compares: African/African-American, 0.02%; no homozygotes.

Submissions (3):

Labcorp Genetics (formerly Invitae), Labcorp
Classification: Likely benign. Last evaluated: 2025-10-23. Review status: criteria provided, single submitter. Criteria: Invitae Variant Classification Sherloc (09022015). Collection method: clinical testing. Allele origin: germline.

PreventionGenetics, part of Exact Sciences
Classification: Likely benign for CNNM4-related condition. Last evaluated: 2025-08-23. Review status: criteria provided, single submitter. Criteria: ACMG Guidelines, 2015. Collection method: clinical testing. Allele origin: germline.
Comment: This variant is classified as likely benign based on ACMG/AMP sequence variant interpretation guidelines (Richards et al. 2015 PMID: 25741868, with internal and published modifications).

Blueprint Genetics
Classification: Likely benign. Last evaluated: 2022-01-10. Review status: criteria provided, single submitter. Criteria: ACMG Guidelines, 2015. Collection method: clinical testing. Allele origin: germline.